The following is an entry in ClinVar:

ClinVar aggregate classification (germline): Likely benign (1 of 4 stars; one submission).

Conditions:
Growth delay due to insulin-like growth factor I resistance. Also called: Somatomedin end-organ insensitivity to; Somatomedin-c resistance to; IGF-1 resistance; IGF-I RESISTANCE; Insulin-Like Growth Factor I Resistance. Identifiers: Orphanet 73273, MedGen C1849157, MONDO:0010038, OMIM 270450.

Allele frequency attached by ClinVar (database versions not stated): gnomAD 0.00042 and 0.00046; TOPMed 0.00066; gnomAD exomes 0.00068.
gnomAD v4.1: 125 of 232,436 alleles (0.054%); highest among the groups gnomAD compares: East Asian, 0.21%; 2 homozygotes.

Submission:

Illumina Laboratory Services, Illumina
Classification: Likely benign for Growth delay due to insulin-like growth factor I resistance. Last evaluated: 2018-01-12. Review status: criteria provided, single submitter. Criteria: ICSL Variant Classification Criteria 13 December 2019. Collection method: clinical testing. Allele origin: germline.
Comment: This variant was observed in the ICSL laboratory as part of a predisposition screen in an ostensibly healthy population. It had not been previously curated by ICSL or reported in the Human Gene Mutation Database (HGMD: prior to June 1st, 2018), and was therefore a candidate for classification through an automated scoring system. Utilizing variant allele frequency, disease prevalence and penetrance estimates, and inheritance mode, an automated score was calculated to assess if this variant is too frequent to cause the disease. Based on the score and internal cut-off values, a variant classified as likely benign is not then subjected to further curation. The score for this variant resulted in a classification of likely benign for this disease.

NM_000875.5(IGF1R):c.*5739T>C

Gene: IGF1R (insulin like growth factor 1 receptor; plus strand). Cytogenetic location: 15q26.3.
Variant type: single nucleotide variant.
Coding change: c.*5739T>C on transcript NM_000875.5 (MANE Select); 5739 bases downstream of the stop codon, T replaced by C.
Molecular consequence: 3 prime UTR variant.
Genome position (GRCh38, 1-based): chr15:98,963,181, T>C. VCF-style: chr15-98963181-T-C. GRCh37 (hg19) VCF-style: chr15-99506410-T-C.
Other names: c.*5739T>C (NM_001291858.2).
Identifiers: ClinVar variation 317620 (VCV000317620.5), dbSNP rs76014895, ClinGen allele CA10647602.
Genomic context (GRCh38, chr15:98,963,181, plus strand): 5'-AATTTTATAAAATGTTTGTAGTTTATAATTGCCGAAAATAATTTAAAGACACTTTTTTTT[T>C]CTCTGTGTGTGCAAATGTGTGTTTGTGATCCATTTTTTTTTTTTTTTTTTAGGACACCTG-3'